The following is an entry in ClinVar:

ClinVar aggregate classification (germline): Pathogenic/Likely pathogenic. Review status: criteria provided, multiple submitters, no conflicts (2 of 4 stars). 2 submissions from 2 submitters: Pathogenic (1); Likely pathogenic (1). Last evaluated 2026-08-18.

Conditions:
Charlevoix-Saguenay spastic ataxia (SACS). Also called: Spastic ataxia of Charlevoix-Saguenay; SPASTIC ATAXIA 6, AUTOSOMAL RECESSIVE; AUTOSOMAL RECESSIVE SPASTIC ATAXIA OF CHARLEVOIX-SAGUENAY. Identifiers: Orphanet 98, MedGen C1849140, MONDO:0010041, OMIM 270550.

Submissions (2):

Myriad Genetics, Inc.
Classification: Pathogenic for Charlevoix-Saguenay spastic ataxia. Last evaluated: 2026-08-18. Review status: criteria provided, single submitter. Criteria: Myriad Autosomal Dominant, Autosomal Recessive and X-Linked Classification Criteria (2023). Collection method: clinical testing. Allele origin: unknown.
Comment: NM_014363.4(SACS):c.10222_10223delAA(K3408Vfs*6) is a frameshift variant classified as pathogenic in the context of autosomal recessive spastic ataxia of Charlevoix-Saguenay. K3408Vfs*6 has not been observed in cases with relevant disease. Relevant functional assessments of this variant are not available in the literature. K3408Vfs*6 has not been observed in referenced population frequency databases. In summary, NM_014363.4(SACS):c.10222_10223delAA(K3408Vfs*6) is a frameshift variant in a gene where loss of function is a known mechanism of disease and is predicted to disrupt protein function. Please note: this variant was assessed in the context of healthy population screening.

Baylor Genetics
Classification: Likely pathogenic for Charlevoix-Saguenay spastic ataxia. Last evaluated: 2023-12-07. Review status: criteria provided, single submitter. Criteria: ACMG Guidelines, 2015. Collection method: clinical testing. Allele origin: unknown.

NM_014363.6(SACS):c.10222_10223del (p.Lys3408fs)

Gene: SACS (sacsin molecular chaperone; minus strand). Cytogenetic location: 13q12.12.
Variant type: Deletion.
Coding change: c.10222_10223del on transcript NM_014363.6 (MANE Select); coding-DNA positions 10222 to 10223, 2 bases deleted (AA; older notation c.10222_10223delAA).
Protein change: p.Lys3408fs; shifts the reading frame from lysine 3408.
Molecular consequence: frameshift variant.
Genome position (GRCh38, 1-based): chr13:23,333,653-23,333,654, TT deleted on the plus strand (AA on the coding strand, the reverse complement: SACS is on the minus strand); deleting any 2 consecutive bases within chr13:23,333,653-23,333,655 gives the same sequence; the c. name uses the placement nearest the transcript's 3' end. VCF-style (leftmost placement, unchanged base first): chr13-23333652-CTT-C. GRCh37 (hg19) VCF-style: chr13-23907791-CTT-C.
Other names: c.9781_9782del, p.Lys3261fs (NM_001278055.2); short protein forms K3261fs, K3408fs.
Identifiers: ClinVar variation 3240421 (VCV003240421.2), dbSNP rs2542188390.
Genomic context (GRCh38, chr13:23,333,652, plus strand): 5'-TGTTCCAAATTTTCCAATGCTTACATAGCGGCCACTGATGGATTTATAGCACGGAAGTGA[CTT>C]TAGAATTTTTATATCATCTTGGGACATCAAATGATTCAAATTGCAGTTGAAATACATCAA-3'